The following is an entry in ClinVar:

NM_001369268.1(ACAN):c.6679C>T (p.Gln2227Ter)

Gene: ACAN (aggrecan; plus strand). Cytogenetic location: 15q26.1.
Variant type: single nucleotide variant.
Coding change: c.6679C>T on transcript NM_001369268.1 (MANE Select); coding-DNA position 6679, C replaced by T.
Protein change: p.Gln2227Ter; replaces glutamine 2227 with a stop codon.
Molecular consequence: nonsense.
Genome position (GRCh38, 1-based): chr15:88,859,264, C>T. VCF-style: chr15-88859264-C-T. GRCh37 (hg19) VCF-style: chr15-89402495-C-T.
Other names: c.6679C>T, p.Gln2227Ter (NM_001135.4, NM_001411096.1, NM_001411097.1 and 1 more transcripts); short protein forms Q2227*.
Identifiers: ClinVar variation 2506423 (VCV002506423.2), dbSNP rs1897141948, ClinGen allele CA393727752.

ClinVar aggregate classification (germline): Pathogenic (0 of 4 stars; one submission).

Conditions:
Short stature and advanced bone age, with or without early-onset osteoarthritis and/or osteochondritis dissecans (SSOAOD). Identifiers: Orphanet 251262, MedGen C3665488, MONDO:0100462, OMIM 165800.

Allele frequency attached by ClinVar (database versions not stated): TOPMed below 0.00001.

Submission:

Chaochun Lab, Department of Endocrinology, Children's Hospital, Zhejiang University School Of Medicine
Classification: Pathogenic for Short stature and advanced bone age, with or without early-onset osteoarthritis and/or osteochondritis dissecans. Last evaluated: 2022-06-02. Review status: no assertion criteria provided. Collection method: clinical testing. Allele origin: maternal. Inheritance: Autosomal dominant inheritance. Affected: yes. Observed: 1 heterozygote.
Comment: A nonsense mutation occurred in exon12 (c.6679C>T) was identified in our index family, which was not reported. The mutation may be pathogenic according to ACMG guidelines.